The following is an entry in ClinVar:

ClinVar aggregate classification (germline): Uncertain significance (1 of 4 stars; one submission).

Conditions:
Retinitis pigmentosa 66 (RP66). Identifiers: Orphanet 791, MedGen C3715216, MONDO:0014093, OMIM 615233.

Allele frequency attached by ClinVar (database versions not stated): TOPMed below 0.00001; gnomAD 0.00001; ExAC 0.00002; gnomAD exomes 0.00002 and 0.00003; 1000 Genomes Project 30x 0.00016.
gnomAD v4.1: 38 of 1,613,410 alleles (0.0024%); highest among the groups gnomAD compares: Non-Finnish European, 0.0029%; no homozygotes.

Submission:

Labcorp Genetics (formerly Invitae), Labcorp
Classification: Uncertain significance. Last evaluated: 2023-07-17. Review status: criteria provided, single submitter. Criteria: Invitae Variant Classification Sherloc (09022015). Collection method: clinical testing. Allele origin: germline.
Comment: In summary, the available evidence is currently insufficient to determine the role of this variant in disease. Therefore, it has been classified as a Variant of Uncertain Significance. An algorithm developed to predict the effect of missense changes on protein structure and function (PolyPhen-2) suggests that this variant is likely to be disruptive. ClinVar contains an entry for this variant (Variation ID: 933846). This variant has not been reported in the literature in individuals affected with RBP3-related conditions. This variant is present in population databases (rs782477232, gnomAD 0.004%). This sequence change replaces arginine, which is basic and polar, with histidine, which is basic and polar, at codon 250 of the RBP3 protein (p.Arg250His).

NM_002900.3(RBP3):c.749G>A (p.Arg250His)

Gene: RBP3 (retinol binding protein 3; plus strand). Cytogenetic location: 10q11.22.
Variant type: single nucleotide variant.
Coding change: c.749G>A on transcript NM_002900.3 (MANE Select); coding-DNA position 749, G replaced by A.
Protein change: p.Arg250His; replaces arginine 250 with histidine.
Molecular consequence: missense variant.
Genome position (GRCh38, 1-based): chr10:47,349,233, G>A. VCF-style: chr10-47349233-G-A. GRCh37 (hg19) VCF-style: chr10-48390129-C-T.
Other names: short protein forms R250H.
Identifiers: ClinVar variation 933846 (VCV000933846.11), dbSNP rs782477232, ClinGen allele CA5487705.